The following is an entry in ClinVar:

ClinVar aggregate classification (germline): Likely pathogenic (1 of 4 stars; one submission).

Conditions:
Polycystic kidney disease 4 (PKD4). Also called: POLYCYSTIC KIDNEY AND HEPATIC DISEASE 1; POLYCYSTIC KIDNEY DISEASE, INFANTILE, TYPE I; POLYCYSTIC KIDNEY DISEASE 4 WITH OR WITHOUT POLYCYSTIC LIVER DISEASE; PKD3; Autosomal Recessive Polycystic Kidney Disease – PKHD1. Identifiers: MedGen C4540575, MONDO:0033004, OMIM 263200.

Submission:

Myriad Genetics, Inc.
Classification: Likely pathogenic for Polycystic kidney disease 4. Last evaluated: 2022-02-27. Review status: criteria provided, single submitter. Criteria: Myriad Women's Health Autosomal Recessive and X-Linked Classification Criteria (2021). Collection method: clinical testing. Allele origin: unknown.
Comment: NM_138694.3(PKHD1):c.6395_6396delTG(V2132Gfs*15) is expected to be pathogenic in the context of autosomal recessive polycystic kidney disease, PKHD1-related. This variant is predicted to lead to an abnormal or absent protein product due to the creation of a premature termination codon in PKHD1, a gene where loss-of-function variants are known to be pathogenic. Please note: this variant was assessed in the context of healthy population screening.

NM_138694.4(PKHD1):c.6395_6396del (p.Val2132fs)

Gene: PKHD1 (PKHD1 ciliary IPT domain containing fibrocystin/polyductin; minus strand). Cytogenetic location: 6p12.2.
Variant type: Microsatellite.
Coding change: c.6395_6396del on transcript NM_138694.4 (MANE Select); coding-DNA positions 6395 to 6396, 2 bases deleted (TG; older notation c.6395_6396delTG).
Protein change: p.Val2132fs; shifts the reading frame from valine 2132.
Molecular consequence: frameshift variant.
Genome position (GRCh38, 1-based): chr6:51,911,893-51,911,894, CA deleted on the plus strand (TG on the coding strand, the reverse complement: PKHD1 is on the minus strand); deleting any 2 consecutive bases within chr6:51,911,893-51,911,896 gives the same sequence; the c. name uses the placement nearest the transcript's 3' end. VCF-style (leftmost placement, unchanged base first): chr6-51911892-CCA-C. GRCh37 (hg19) VCF-style: chr6-51776690-CCA-C.
Other names: c.6395_6396del, p.Val2132fs (NM_170724.3); short protein forms V2132fs.
Identifiers: ClinVar variation 1724793 (VCV001724793.2), dbSNP rs2536666918, ClinGen allele CA2580617257.